The following is an entry in ClinVar:

NM_000094.4(COL7A1):c.1837C>T (p.Arg613Ter)

Gene: COL7A1 (collagen type VII alpha 1 chain; minus strand). Cytogenetic location: 3p21.31.
Variant type: single nucleotide variant.
Coding change: c.1837C>T on transcript NM_000094.4 (MANE Select); coding-DNA position 1837, C replaced by T.
Protein change: p.Arg613Ter; replaces arginine 613 with a stop codon.
Molecular consequence: nonsense.
Genome position (GRCh38, 1-based): chr3:48,590,528, G>A on the plus strand (C>T on the coding strand, the complement: COL7A1 is on the minus strand). VCF-style: chr3-48590528-G-A. GRCh37 (hg19) VCF-style: chr3-48627961-G-A.
Other names: short protein forms R613*.
Identifiers: ClinVar variation 1075255 (VCV001075255.40), dbSNP rs759634066, ClinGen allele CA2381093.

ClinVar aggregate classification (germline): Pathogenic/Likely pathogenic. Review status: criteria provided, multiple submitters, no conflicts (2 of 4 stars). 8 submissions from 8 submitters: Pathogenic (6); Likely pathogenic (1). 1 of the submissions does not count toward it. Last evaluated 2025-09-19.

Conditions:
Transient bullous dermolysis of the newborn (TBDN). Also called: EPIDERMOLYSIS BULLOSA DYSTROPHICA, NEONATAL FORM; DYSTROPHIC EPIDERMOLYSIS BULLOSA, NEONATAL. Identifiers: Orphanet 79411, MedGen C1851573, MONDO:0007548, OMIM 131705.
Recessive dystrophic epidermolysis bullosa (RDEB). Also called: Recessive DEB (RDEB); DYSTROPHIC EPIDERMOLYSIS BULLOSA, AUTOSOMAL RECESSIVE; EPIDERMOLYSIS BULLOSA DYSTROPHICA, HALLOPEAU-SIEMENS TYPE; Epidermolysis Bullosa Distrophica Autosomal Recessive (RDEB); Hallopeau-Siemens Disease; severe generalized recessive dystrophic epidermolysis bullosa. Identifiers: Orphanet 79408, Orphanet 79409, MedGen C0079474, MONDO:0009179, OMIM 226600.
Nonsyndromic congenital nail disorder 8. Also called: TOENAIL DYSTROPHY, ISOLATED. Identifiers: MedGen C1843761, MONDO:0011852, OMIM 607523.
Epidermolysis bullosa pruriginosa. Also called: DEB, PRURIGINOSA; DYSTROPHIC EPIDERMOLYSIS BULLOSA PRURIGINOSA. Identifiers: Orphanet 89843, MedGen C1275114, MONDO:0011398, OMIM 604129.
Pretibial dystrophic epidermolysis bullosa. Also called: EPIDERMOLYSIS BULLOSA DYSTROPHICA, PRETIBIAL; Pretibial epidermolysis bullosa; Pretibial blistering. Identifiers: Orphanet 79410, MedGen C0432321, MONDO:0007552, OMIM 131850, HP:0012221.
Dominant dystrophic epidermolysis bullosa with absence of skin. Also called: EPIDERMOLYSIS BULLOSA DYSTROPHICA, BART TYPE; EPIDERMOLYSIS BULLOSA WITH CONGENITAL LOCALIZED ABSENCE OF SKIN AND DEFORMITY OF NAILS. Identifiers: MedGen C0268371, MONDO:0007557, OMIM 132000.
Generalized dominant dystrophic epidermolysis bullosa (DDEB). Also called: Dominant DEB (DDEB); DDEB, generalized; DDEB-gen; DYSTROPHIC EPIDERMOLYSIS BULLOSA, AUTOSOMAL DOMINANT; Epidermolysis bullosa dystrophica, autosomal dominant. Identifiers: Orphanet 231568, MedGen C0432322, MONDO:0007549, OMIM 131750.
Epidermolysis bullosa dystrophica. Also called: Dystrophic epidermolysis bullosa, Hallopeau-Siemens type (formerly); Dystrophic epidermolysis bullosa. Identifiers: Orphanet 303, MedGen C0079294, MONDO:0006543.
COL7A1-related disorder. Also called: COL7A1- related disorders; COL7A1-related condition.

Allele frequency attached by ClinVar (database versions not stated): gnomAD 0.00001; gnomAD exomes 0.00001 and 0.00002; TOPMed 0.00001; ExAC 0.00002.
gnomAD v4.1: 16 of 1,614,114 alleles (0.00099%); highest among the groups gnomAD compares: Non-Finnish European, 0.0012%; no homozygotes.

Submissions (8):

Natera, Inc.
Classification: Pathogenic for Dystrophic epidermolysis bullosa. Last evaluated: 2025-09-19. Review status: criteria provided, single submitter. Criteria: Natera Variant Classification Schema (03/2026). Collection method: clinical testing. Allele origin: germline.
Comment: The c.1837C>T variant in COL7A1 is a nonsense variant predicted to introduce a stop codon at amino acid 613. This variant is expected to result in nonsense mediated decay, truncation, or a dysfunctional protein product. This variant is rare in the general population with a frequency below the threshold expected for the associated phenotype(s). This variant has been observed in one or more individuals affected with the associated recessive disease, as either homozygous or compound heterozygous with a second variant (PMID: 24213372, 25703736). Given the available evidence, this variant is classified as Pathogenic.

Labcorp Genetics (formerly Invitae), Labcorp
Classification: Pathogenic. Last evaluated: 2024-12-11. Review status: criteria provided, single submitter. Criteria: Invitae Variant Classification Sherloc (09022015). Collection method: clinical testing. Allele origin: germline.
Comment: This sequence change creates a premature translational stop signal (p.Arg613*) in the COL7A1 gene. It is expected to result in an absent or disrupted protein product. Loss-of-function variants in COL7A1 are known to be pathogenic (PMID: 16971478). This variant is present in population databases (rs759634066, gnomAD 0.004%). This premature translational stop signal has been observed in individual(s) with clinical features of autosomal recessive dystrophic epidermolysis bullosa (PMID: 16971478). ClinVar contains an entry for this variant (Variation ID: 1075255). Algorithms developed to predict the effect of sequence changes on RNA splicing suggest that this variant may disrupt the consensus splice site. For these reasons, this variant has been classified as Pathogenic.

Fulgent Genetics
Classification: Pathogenic for Transient bullous dermolysis of the newborn; Generalized dominant dystrophic epidermolysis bullosa; Pretibial dystrophic epidermolysis bullosa; Dominant dystrophic epidermolysis bullosa with absence of skin; Recessive dystrophic epidermolysis bullosa; Epidermolysis bullosa pruriginosa; Nonsyndromic congenital nail disorder 8. Last evaluated: 2024-03-14. Review status: criteria provided, single submitter. Criteria: ACMG Guidelines, 2015. Collection method: clinical testing. Allele origin: germline.

GeneDx
Classification: Pathogenic. Last evaluated: 2023-12-15. Review status: criteria provided, single submitter. Criteria: GeneDx Variant Classification Process June 2021. Collection method: clinical testing. Allele origin: germline. Affected: yes.
Comment: Nonsense variant predicted to result in protein truncation or nonsense mediated decay in a gene for which loss-of-function is a known mechanism of disease; This variant is associated with the following publications: (PMID: 25525159, 24213372, 32484238, 23546300, 36287101, 35052793, 36140224, 35979658, 37338146, 16971478)

Center for Research in Genodermatoses and Epidermolysis Bullosa, University of Buenos Aires
Classification: Pathogenic for Recessive dystrophic epidermolysis bullosa. Last evaluated: 2022-03-14. Review status: criteria provided, single submitter. Criteria: ACMG Guidelines, 2015. Collection method: clinical testing. Allele origin: germline. Affected: yes. Observed: 3 variant alleles, 3 compound heterozygotes.

Genetics and Genomic Medicine Centre, NeuroGen Healthcare, NeuroGen Healthcare
Classification: Likely pathogenic for Transient bullous dermolysis of the newborn. Last evaluated: 2021-06-16. Review status: criteria provided, single submitter. Criteria: Submitter's publication. Collection method: clinical testing. Allele origin: unknown. Affected: no.

Revvity Omics, Revvity
Classification: Pathogenic. Last evaluated: 2019-03-13. Review status: criteria provided, single submitter. Criteria: ACMG Guidelines, 2015. Collection method: clinical testing. Allele origin: germline.

PreventionGenetics, part of Exact Sciences
Classification: Pathogenic for COL7A1-related condition. Last evaluated: 2023-11-21. Review status: no assertion criteria provided. Collection method: clinical testing. Allele origin: germline. Not counted in ClinVar's aggregate classification.
Comment: The COL7A1 c.1837C>T variant is predicted to result in premature protein termination (p.Arg613*). This variant has been reported in the compound heterozygous state in individuals with epidermolysis bullosa dystrophica (see, for example, Appendix I, Varki et al. 2007. PubMed ID: 16971478; Table S3, Chen et al. 2020. PubMed ID: 32484238; Table S2, Natale et al. 2022. PubMed ID: 35979658). This variant is reported in 0.0035% of alleles in individuals of European (non-Finnish) descent in a large population database. Nonsense variants in COL7A1 are expected to be pathogenic. This variant is interpreted as pathogenic.

Literature cited by the submitters: PubMed 24213372 (cited by Natera, Inc.); PubMed 25703736 (cited by Natera, Inc.); PubMed 16971478 (cited by Labcorp Genetics (formerly Invitae), Labcorp and Center for Research in Genodermatoses and Epidermolysis Bullosa, University of Buenos Aires); PubMed 35979658 (cited by Center for Research in Genodermatoses and Epidermolysis Bullosa, University of Buenos Aires).